The following is an entry in ClinVar:

NM_020937.4(FANCM):c.4741A>G (p.Ile1581Val)

Gene: FANCM (FA complementation group M; plus strand). Cytogenetic location: 14q21.2.
Variant type: single nucleotide variant.
Coding change: c.4741A>G on transcript NM_020937.4 (MANE Select); coding-DNA position 4741, A replaced by G.
Protein change: p.Ile1581Val; replaces isoleucine 1581 with valine.
Molecular consequence: missense variant.
Genome position (GRCh38, 1-based): chr14:45,187,849, A>G. VCF-style: chr14-45187849-A-G. GRCh37 (hg19) VCF-style: chr14-45657052-A-G.
Other names: c.4663A>G, p.Ile1555Val (NM_001308133.2); short protein forms I1555V, I1581V.
Identifiers: ClinVar variation 1017008 (VCV001017008.8), dbSNP rs1649188416, ClinGen allele CA389610114.
Genomic context (GRCh38, chr14:45,187,849, plus strand): 5'-ATGAGAGCTATTTACATGAAATCTTTGCGTAGTCCAATGATGAACAATAAGTACAAAATG[A>G]TTCATAAGACACATAAAAACATAAACATTTTCTCGCAGGTATGAACTATAGAAATATAAT-3'
Protein context (NP_065988.1, residues 1571-1591): SPMMNNKYKM[Ile1581Val]HKTHKNINIF

ClinVar aggregate classification (germline): Uncertain significance (1 of 4 stars; one submission).

Conditions:
Fanconi anemia (FA). Also called: Fanconi's anemia. Identifiers: Orphanet 84, MedGen C0015625, MeSH D005199, MONDO:0019391.

Allele frequency attached by ClinVar (database versions not stated): TOPMed below 0.00001.

Submission:

Labcorp Genetics (formerly Invitae), Labcorp
Classification: Uncertain significance for Fanconi anemia. Last evaluated: 2025-10-23. Review status: criteria provided, single submitter. Criteria: Invitae Variant Classification Sherloc (09022015). Collection method: clinical testing. Allele origin: germline.
Comment: This sequence change replaces isoleucine, which is neutral and non-polar, with valine, which is neutral and non-polar, at codon 1581 of the FANCM protein (p.Ile1581Val). This variant is not present in population databases (gnomAD no frequency). This variant has not been reported in the literature in individuals affected with FANCM-related conditions. ClinVar contains an entry for this variant (Variation ID: 1017008). An algorithm developed to predict the effect of missense changes on protein structure and function outputs the following: PolyPhen-2: "Benign". The valine amino acid residue is found in multiple mammalian species, which suggests that this missense change does not adversely affect protein function. In summary, the available evidence is currently insufficient to determine the role of this variant in disease. Therefore, it has been classified as a Variant of Uncertain Significance.